The following is an entry in ClinVar:

ClinVar aggregate classification (germline): Uncertain significance (1 of 4 stars; one submission).

Submission:

Labcorp Genetics (formerly Invitae), Labcorp
Classification: Uncertain significance. Last evaluated: 2023-10-20. Review status: criteria provided, single submitter. Criteria: Invitae Variant Classification Sherloc (09022015). Collection method: clinical testing. Allele origin: germline.
Comment: This sequence change falls in intron 13 of the GSN gene. It does not directly change the encoded amino acid sequence of the GSN protein. This variant is present in population databases (rs766040967, gnomAD 0.004%). This variant has not been reported in the literature in individuals affected with GSN-related conditions. Experimental studies and prediction algorithms are not available or were not evaluated, and the effect of this variant on mRNA splicing is currently unknown. In summary, the available evidence is currently insufficient to determine the role of this variant in disease. Therefore, it has been classified as a Variant of Uncertain Significance.

NM_198252.3(GSN):c.1757_1762+10dup

Gene: GSN (gelsolin; plus strand). Cytogenetic location: 9q33.2.
Variant type: Duplication.
Coding change: c.1757_1762+10dup on transcript NM_198252.3 (MANE Select); coding-DNA position 1757 through 10 bases into the intron after coding-DNA position 1762, 16 bases duplicated (AGCCAGGTAGGAGCCG).
Molecular consequence: splice donor variant.
Genome position (GRCh38, 1-based): chr9:121,327,477-121,327,492, AGCCAGGTAGGAGCCG duplicated; duplicating any 16 consecutive bases within chr9:121,327,475-121,327,492 gives the same sequence; the c. name uses the placement nearest the transcript's 3' end. VCF-style (leftmost placement, unchanged base first): chr9-121327474-G-GCGAGCCAGGTAGGAGC. GRCh37 (hg19) VCF-style: chr9-124089752-G-GCGAGCCAGGTAGGAGC.
Other names: c.1757_1762+10dup (NM_001353054.1, NM_001353053.1, NM_001353060.2 and 10 more transcripts); c.1790_1795+10dup (NM_001353064.2, NM_001353066.2, NM_001353073.2 and 13 more transcripts); c.1865_1870+10dup (NM_001127663.2); c.1829_1834+10dup (NM_001353076.2); c.1103_1108+10dup (NM_001353078.2); c.1808_1813+10dup (NM_001258029.2); c.1781_1786+10dup (NM_001258030.2); c.1910_1915+10dup (NM_000177.5).
Identifiers: ClinVar variation 2790639 (VCV002790639.3), dbSNP rs766040967, ClinGen allele CA5221392.